The following is an entry in ClinVar:

ClinVar aggregate classification (germline): Uncertain significance (1 of 4 stars; one submission).

Conditions:
Progressive sclerosing poliodystrophy (MTDPS4A). Also called: ALPERS PROGRESSIVE INFANTILE POLIODYSTROPHY; NEURONAL DEGENERATION OF CHILDHOOD WITH LIVER DISEASE, PROGRESSIVE; Alpers Syndrome; ALPERS DIFFUSE DEGENERATION OF CEREBRAL GRAY MATTER WITH HEPATIC CIRRHOSIS; Alpers-Huttenlocher Syndrome; Mitochondrial DNA depletion syndrome 4A (Alpers type). Identifiers: Orphanet 726, MedGen C0205710, MONDO:0008758, OMIM 203700.

Submission:

Labcorp Genetics (formerly Invitae), Labcorp
Classification: Uncertain significance for Progressive sclerosing poliodystrophy. Last evaluated: 2025-09-05. Review status: criteria provided, single submitter. Criteria: Invitae Variant Classification Sherloc (09022015). Collection method: clinical testing. Allele origin: germline.
Comment: This sequence change replaces valine, which is neutral and non-polar, with methionine, which is neutral and non-polar, at codon 645 of the POLG protein (p.Val645Met). This variant is not present in population databases (gnomAD no frequency). This variant has not been reported in the literature in individuals affected with POLG-related conditions. ClinVar contains an entry for this variant (Variation ID: 3630487). Invitae Evidence Modeling of protein sequence and biophysical properties (such as structural, functional, and spatial information, amino acid conservation, physicochemical variation, residue mobility, and thermodynamic stability) indicates that this missense variant is not expected to disrupt POLG protein function with a negative predictive value of 95%. In summary, the available evidence is currently insufficient to determine the role of this variant in disease. Therefore, it has been classified as a Variant of Uncertain Significance.

NM_002693.3(POLG):c.1933G>A (p.Val645Met)

Gene: POLG (DNA polymerase gamma, catalytic subunit; minus strand). Cytogenetic location: 15q26.1.
Variant type: single nucleotide variant.
Coding change: c.1933G>A on transcript NM_002693.3 (MANE Select); coding-DNA position 1933, G replaced by A.
Protein change: p.Val645Met; replaces valine 645 with methionine.
Molecular consequence: missense variant.
Genome position (GRCh38, 1-based): chr15:89,325,466, C>T on the plus strand (G>A on the coding strand, the complement: POLG is on the minus strand). VCF-style: chr15-89325466-C-T. GRCh37 (hg19) VCF-style: chr15-89868697-C-T.
Other names: c.1933G>A, p.Val645Met (NM_001126131.2); short protein forms V645M.
Identifiers: ClinVar variation 3630487 (VCV003630487.2).